The following is an entry in ClinVar:

ClinVar aggregate classification (germline): Uncertain significance. Review status: criteria provided, multiple submitters, no conflicts (2 of 4 stars). 8 submissions from 8 submitters: Uncertain significance (7). 1 of the submissions does not count toward it. Last evaluated 2025-10-30.

Conditions:
ATP7B-related disorder. Also called: ATP7B-related condition.
Wilson disease (WND). Also called: Wilson's disease. Identifiers: Orphanet 905, MedGen C0019202, MONDO:0010200, OMIM 277900. Disease mechanism: loss of function.

Allele frequency attached by ClinVar (database versions not stated): ExAC 0.00003; gnomAD 0.00005; TOPMed 0.00009.
gnomAD v4.1: 47 of 1,613,866 alleles (0.0029%); highest among the groups gnomAD compares: African/African-American, 0.016%; no homozygotes.

Submissions (8):

PreventionGenetics, part of Exact Sciences
Classification: Uncertain significance for ATP7B-related condition. Last evaluated: 2025-10-30. Review status: criteria provided, single submitter. Criteria: ACMG Guidelines, 2015. Collection method: clinical testing. Allele origin: germline.
Comment: The ATP7B c.814G>A variant is predicted to result in the amino acid substitution p.Val272Ile. To our knowledge, this variant has not been reported in the literature. This variant is reported in 0.0097% of alleles in individuals of Ashkenazi Jewish descent in gnomAD. At this time, the clinical significance of this variant is uncertain due to the absence of conclusive functional and genetic evidence.

Color Diagnostics, LLC DBA Color Health
Classification: Uncertain significance for Wilson disease. Last evaluated: 2025-07-22. Review status: criteria provided, single submitter. Criteria: ACMG Guidelines, 2015. Collection method: clinical testing. Allele origin: germline.
Comment: This missense variant replaces valine with isoleucine at codon 272 of the ATP7B protein. Computational prediction suggests that this variant may not impact protein structure and function. To our knowledge, functional studies have not been reported for this variant. This variant has not been reported in individuals affected with ATP7B-related disorders in the literature. This variant has been identified in 8/279388 chromosomes in the general population by the Genome Aggregation Database (gnomAD). The available evidence is insufficient to determine the role of this variant in disease conclusively. Therefore, this variant is classified as a Variant of Uncertain Significance.

Labcorp Genetics (formerly Invitae), Labcorp
Classification: Uncertain significance for Wilson disease. Last evaluated: 2025-01-16. Review status: criteria provided, single submitter. Criteria: Invitae Variant Classification Sherloc (09022015). Collection method: clinical testing. Allele origin: germline.
Comment: This sequence change replaces valine, which is neutral and non-polar, with isoleucine, which is neutral and non-polar, at codon 272 of the ATP7B protein (p.Val272Ile). This variant is present in population databases (rs771501259, gnomAD 0.01%). This variant has not been reported in the literature in individuals affected with ATP7B-related conditions. ClinVar contains an entry for this variant (Variation ID: 807943). Invitae Evidence Modeling of protein sequence and biophysical properties (such as structural, functional, and spatial information, amino acid conservation, physicochemical variation, residue mobility, and thermodynamic stability) indicates that this missense variant is not expected to disrupt ATP7B protein function with a negative predictive value of 95%. In summary, the available evidence is currently insufficient to determine the role of this variant in disease. Therefore, it has been classified as a Variant of Uncertain Significance.

Fulgent Genetics
Classification: Uncertain significance for Wilson disease. Last evaluated: 2024-01-15. Review status: criteria provided, single submitter. Criteria: ACMG Guidelines, 2015. Collection method: clinical testing. Allele origin: germline.

Mayo Clinic Laboratories, Mayo Clinic
Classification: Uncertain significance. Last evaluated: 2022-05-06. Review status: criteria provided, single submitter. Criteria: ACMG Guidelines, 2015. Collection method: clinical testing. Allele origin: germline. Observed: 3 variant alleles.
Comment: PM2

Genome-Nilou Lab
Classification: Uncertain significance for Wilson disease. Last evaluated: 2021-09-05. Review status: criteria provided, single submitter. Criteria: ACMG Guidelines, 2015. Collection method: clinical testing. Allele origin: germline. Affected: no.

GeneDx
Classification: Uncertain significance. Last evaluated: 2019-05-15. Review status: criteria provided, single submitter. Criteria: GeneDx Variant Classification Process June 2021. Collection method: clinical testing. Allele origin: germline. Affected: yes.
Comment: Not observed at a significant frequency in large population cohorts (Lek et al., 2016); In silico analysis, which includes protein predictors and evolutionary conservation, supports that this variant does not alter protein structure/function; Has not been previously published as pathogenic or benign to our knowledge

Natera, Inc.
Classification: Uncertain significance for Wilson disease. Last evaluated: 2020-03-27. Review status: no assertion criteria provided. Collection method: clinical testing. Allele origin: germline. Not counted in ClinVar's aggregate classification.

NM_000053.4(ATP7B):c.814G>A (p.Val272Ile)

Gene: ATP7B (ATPase copper transporting beta; minus strand). Cytogenetic location: 13q14.3.
Variant type: single nucleotide variant.
Coding change: c.814G>A on transcript NM_000053.4 (MANE Select); coding-DNA position 814, G replaced by A.
Protein change: p.Val272Ile; replaces valine 272 with isoleucine.
Molecular consequence: missense variant. On other transcripts: intron variant (1).
Genome position (GRCh38, 1-based): chr13:51,974,406, C>T on the plus strand (G>A on the coding strand, the complement: ATP7B is on the minus strand). VCF-style: chr13-51974406-C-T. GRCh37 (hg19) VCF-style: chr13-52548542-C-T.
Other names: p.Val272Ile; c.814G>A, p.Val272Ile (NM_001005918.3, NM_001330578.2, NM_001330579.2); c.802+12G>A (NM_001243182.2); short protein forms V272I.
Identifiers: ClinVar variation 807943 (VCV000807943.27), dbSNP rs771501259, ClinGen allele CA6989494.